The following is an entry in ClinVar:

ClinVar aggregate classification (germline): Benign/Likely benign. Review status: criteria provided, multiple submitters, no conflicts (2 of 4 stars). 4 submissions from 4 submitters: Benign (2); Likely benign (2). Last evaluated 2026-01-27.

Allele frequency attached by ClinVar (database versions not stated): gnomAD 0.03369 and 0.03390; 1000 Genomes Project 30x 0.03545; gnomAD exomes 0.03613 and 0.03221; 1000 Genomes Project 0.03554; ESP Exome Variant Server 0.03775; ExAC 0.03308; TOPMed 0.03687.
gnomAD v4.1: 58,034 of 1,613,534 alleles (3.6%); highest among the groups gnomAD compares: Middle Eastern, 7.6%; 1,213 homozygotes.

Submissions (4):

Labcorp Genetics (formerly Invitae), Labcorp
Classification: Benign. Last evaluated: 2026-01-27. Review status: criteria provided, single submitter. Criteria: Invitae Variant Classification Sherloc (09022015). Collection method: clinical testing. Allele origin: germline.

Mayo Clinic Laboratories, Mayo Clinic
Classification: Benign. Last evaluated: 2024-07-15. Review status: criteria provided, single submitter. Criteria: ACMG Guidelines, 2015. Collection method: clinical testing. Allele origin: germline. Observed: 11 variant alleles.
Comment: BS1, BS2, BP4, BP7

GeneDx
Classification: Likely benign. Last evaluated: 2020-12-22. Review status: criteria provided, single submitter. Criteria: GeneDx Variant Classification Process June 2021. Collection method: clinical testing. Allele origin: germline. Affected: yes.

Breakthrough Genomics
Classification: Likely benign. Review status: criteria provided, single submitter. Criteria: ACMG Guidelines, 2015. Collection method: not provided. Allele origin: germline. Inheritance: Autosomal recessive inheritance. Affected: yes.

NM_015135.3(NUP205):c.3156G>A (p.Ala1052=)

Gene: NUP205 (nucleoporin 205; plus strand). Cytogenetic location: 7q33.
Variant type: single nucleotide variant.
Coding change: c.3156G>A on transcript NM_015135.3 (MANE Select); coding-DNA position 3156, G replaced by A.
Protein change: p.Ala1052=; no amino-acid change (alanine 1052 retained).
Molecular consequence: synonymous variant.
Genome position (GRCh38, 1-based): chr7:135,607,332, G>A. VCF-style: chr7-135607332-G-A. GRCh37 (hg19) VCF-style: chr7-135292080-G-A.
Other names: p.Ala1052=; c.2082G>A, p.Ala694= (NM_001329434.2).
Identifiers: ClinVar variation 1316511 (VCV001316511.11), dbSNP rs61734146, ClinGen allele CA4498530.